The following is an entry in ClinVar:

NM_015268.4(DNAJC13):c.932+15_932+16dup

Gene: DNAJC13 (DnaJ heat shock protein family (Hsp40) member C13; plus strand). Cytogenetic location: 3q22.1.
Variant type: Duplication.
Coding change: c.932+15_932+16dup on transcript NM_015268.4 (MANE Select); bases 15 to 16 of the intron after coding-DNA position 932, 2 bases duplicated (TT; older notation c.932+15_932+16dupTT).
Molecular consequence: intron variant.
Genome position (GRCh38, 1-based): chr3:132,454,172-132,454,173, TT duplicated; duplicating any 2 consecutive bases within chr3:132,454,161-132,454,173 gives the same sequence; the c. name uses the placement nearest the transcript's 3' end. VCF-style (leftmost placement, unchanged base first): chr3-132454160-A-ATT. GRCh37 (hg19) VCF-style: chr3-132173004-A-ATT.
Other names: p.?; c.932+15_932+16dup (NM_001329126.2).
Identifiers: ClinVar variation 4684717 (VCV004684717.1).
Genomic context (GRCh38, chr3:132,454,160, plus strand): 5'-AACTTTTTACCATTGAATTTATAAAAGGGCAAGTACGGAAATATTCTTCAACAGAGAGGT[A>ATT]TTTTTTTTTTTTTAAGTTTTTGAAATCCTAGTTGTGCAAGGCAAAGTGCTTGGTCAACAA-3'

ClinVar aggregate classification (germline): Benign (1 of 4 stars; one submission).

Submission:

Mayo Clinic Laboratories, Mayo Clinic
Classification: Benign. Last evaluated: 2023-06-19. Review status: criteria provided, single submitter. Criteria: ACMG Guidelines, 2015. Collection method: clinical testing. Allele origin: germline. Observed: 11 variant alleles.
Comment: BA1, BP4, BP7